The following is an entry in ClinVar:

NM_015311.3(OBSL1):c.728C>A (p.Pro243Gln)

Gene: OBSL1 (obscurin like cytoskeletal adaptor 1; minus strand). Cytogenetic location: 2q35.
Variant type: single nucleotide variant.
Coding change: c.728C>A on transcript NM_015311.3 (MANE Select); coding-DNA position 728, C replaced by A.
Protein change: p.Pro243Gln; replaces proline 243 with glutamine.
Molecular consequence: missense variant.
Genome position (GRCh38, 1-based): chr2:219,570,505, G>T on the plus strand (C>A on the coding strand, the complement: OBSL1 is on the minus strand). VCF-style: chr2-219570505-G-T. GRCh37 (hg19) VCF-style: chr2-220435227-G-T.
Other names: c.728C>A (NM_015311.2); c.728C>A, p.Pro243Gln (NM_001173408.2, NM_001173431.2); short protein forms P243Q.
Identifiers: ClinVar variation 2907598 (VCV002907598.4), dbSNP rs1288235781, ClinGen allele CA350764156.

ClinVar aggregate classification (germline): Uncertain significance. Review status: criteria provided, multiple submitters, no conflicts (2 of 4 stars). 2 submissions from 2 submitters: Uncertain significance (2). Last evaluated 2024-08-27.

Conditions:
Inborn genetic diseases. Identifiers: MedGen C0950123, MeSH D030342.

Allele frequency attached by ClinVar (database versions not stated): gnomAD exomes below 0.00001.
gnomAD v4.1: 4 of 1,611,362 alleles (0.00025%); highest among the groups gnomAD compares: East Asian, 0.0067%; no homozygotes.

Submissions (2):

Ambry Genetics
Classification: Uncertain significance for Inborn genetic diseases. Last evaluated: 2024-08-27. Review status: criteria provided, single submitter. Criteria: Ambry Variant Classification Scheme 2023. Collection method: clinical testing. Allele origin: germline.

Labcorp Genetics (formerly Invitae), Labcorp
Classification: Uncertain significance. Last evaluated: 2023-11-13. Review status: criteria provided, single submitter. Criteria: Invitae Variant Classification Sherloc (09022015). Collection method: clinical testing. Allele origin: germline.
Comment: This sequence change replaces proline, which is neutral and non-polar, with glutamine, which is neutral and polar, at codon 243 of the OBSL1 protein (p.Pro243Gln). This variant is present in population databases (no rsID available, gnomAD 0.01%). This variant has not been reported in the literature in individuals affected with OBSL1-related conditions. An algorithm developed to predict the effect of missense changes on protein structure and function (PolyPhen-2) suggests that this variant is likely to be disruptive. In summary, the available evidence is currently insufficient to determine the role of this variant in disease. Therefore, it has been classified as a Variant of Uncertain Significance.